The following is an entry in ClinVar:

ClinVar aggregate classification (germline): Uncertain significance. Review status: criteria provided, multiple submitters, no conflicts (2 of 4 stars). 2 submissions from 2 submitters: Uncertain significance (2). Last evaluated 2025-08-01.

Conditions:
Inborn genetic diseases. Identifiers: MedGen C0950123, MeSH D030342.
Cortical dysplasia-focal epilepsy syndrome (PTHSL1). Also called: Pitt-Hopkins-like syndrome 1. Identifiers: Orphanet 163681, Orphanet 221150, MedGen C2750246, MONDO:0012400, OMIM 610042.

Allele frequency attached by ClinVar (database versions not stated): gnomAD 0.00001.
gnomAD v4.1: 1 of 1,613,996 alleles (0.000062%); highest among the groups gnomAD compares: African/African-American, 0.0013%; no homozygotes.

Submissions (2):

Ambry Genetics
Classification: Uncertain significance for Inborn genetic diseases. Last evaluated: 2025-08-01. Review status: criteria provided, single submitter. Criteria: Ambry Variant Classification Scheme 2023. Collection method: clinical testing. Allele origin: germline.

Labcorp Genetics (formerly Invitae), Labcorp
Classification: Uncertain significance for Cortical dysplasia-focal epilepsy syndrome. Last evaluated: 2022-08-09. Review status: criteria provided, single submitter. Criteria: Invitae Variant Classification Sherloc (09022015). Collection method: clinical testing. Allele origin: germline.
Comment: ClinVar contains an entry for this variant (Variation ID: 1346470). In summary, the available evidence is currently insufficient to determine the role of this variant in disease. Therefore, it has been classified as a Variant of Uncertain Significance. Algorithms developed to predict the effect of missense changes on protein structure and function (SIFT, PolyPhen-2, Align-GVGD) all suggest that this variant is likely to be disruptive. This variant has not been reported in the literature in individuals affected with CNTNAP2-related conditions. This variant is not present in population databases (gnomAD no frequency). This sequence change replaces lysine, which is basic and polar, with arginine, which is basic and polar, at codon 783 of the CNTNAP2 protein (p.Lys783Arg).

NM_014141.6(CNTNAP2):c.2348A>G (p.Lys783Arg)

Gene: CNTNAP2 (contactin associated protein 2; plus strand). Cytogenetic location: 7q35.
Variant type: single nucleotide variant.
Coding change: c.2348A>G on transcript NM_014141.6 (MANE Select); coding-DNA position 2348, A replaced by G.
Protein change: p.Lys783Arg; replaces lysine 783 with arginine.
Molecular consequence: missense variant.
Genome position (GRCh38, 1-based): chr7:147,977,954, A>G. VCF-style: chr7-147977954-A-G. GRCh37 (hg19) VCF-style: chr7-147675046-A-G.
Other names: c.2348A>G (NM_014141.5); short protein forms K783R.
Identifiers: ClinVar variation 1346470 (VCV001346470.7), dbSNP rs1198403790, ClinGen allele CA369927746.
Genomic context (GRCh38, chr7:147,977,954, plus strand): 5'-ATCACCTGCCAGTGAGCCAAGTGGTGGTTGGAGATACTGACCGTCAAGGCTCAGAAGCCA[A>G]ATTGAGCGTAGGTCCTCTGCGCTGCCAAGGAGACAGTAAGTTTGCATAGCAGCTATGGCT-3'
Protein context (NP_054860.1, residues 773-793): GDTDRQGSEA[Lys783Arg]LSVGPLRCQG